The following is an entry in ClinVar:

NM_000218.3(KCNQ1):c.436G>A (p.Glu146Lys)

Gene: KCNQ1 (potassium voltage-gated channel subfamily Q member 1; plus strand). Cytogenetic location: 11p15.5.
Variant type: single nucleotide variant.
Coding change: c.436G>A on transcript NM_000218.3 (MANE Select); coding-DNA position 436, G replaced by A.
Protein change: p.Glu146Lys; replaces glutamic acid 146 with lysine.
Molecular consequence: missense variant.
Genome position (GRCh38, 1-based): chr11:2,527,977, G>A. VCF-style: chr11-2527977-G-A. GRCh37 (hg19) VCF-style: chr11-2549207-G-A.
Other names: c.436G>A (LRG_287t1); c.436G>A, p.Glu146Lys (NM_001406836.1, NM_001406838.1); c.166G>A, p.Glu56Lys (NM_001406837.1); c.55G>A, p.Glu19Lys (NM_181798.2); short protein forms E146K, E19K, E56K.
Identifiers: ClinVar variation 53043 (VCV000053043.18), dbSNP rs199472688, ClinGen allele CA007090.

ClinVar aggregate classification (germline): Uncertain significance. Review status: criteria provided, multiple submitters, no conflicts (2 of 4 stars). 5 submissions from 5 submitters: Uncertain significance (4). 1 of the submissions does not count toward it. Last evaluated 2025-02-12.

Conditions:
Cardiac arrhythmia. Also called: Arrhythmia; Cardiac rhythm disease. Identifiers: MedGen C0003811, MONDO:0007263, HP:0011675.
Familial long QT syndrome (RWS). Also called: Congenital long QT syndrome; Romano-Ward syndrome; VENTRICULAR FIBRILLATION WITH PROLONGED QT INTERVAL. Identifiers: Orphanet 768, MedGen C1141890, MONDO:0019171.
Long QT syndrome (LQTS). Identifiers: MedGen C0023976, MeSH D008133, MONDO:0002442. Disease mechanism: loss of function. Inheritance: Various modes of inheritance.

Allele frequency attached by ClinVar (database versions not stated): ExAC 0.00001; TOPMed 0.00001.
gnomAD v4.1: 34 of 1,614,002 alleles (0.0021%); highest among the groups gnomAD compares: Non-Finnish European, 0.0028%; no homozygotes.

Submissions (5):

Labcorp Genetics (formerly Invitae), Labcorp
Classification: Uncertain significance for Long QT syndrome. Last evaluated: 2025-02-12. Review status: criteria provided, single submitter. Criteria: Invitae Variant Classification Sherloc (09022015). Collection method: clinical testing. Allele origin: germline.
Comment: This sequence change replaces glutamic acid, which is acidic and polar, with lysine, which is basic and polar, at codon 146 of the KCNQ1 protein (p.Glu146Lys). This variant is present in population databases (rs199472688, gnomAD 0.007%). This missense change has been observed in individual(s) with clinical features of long QT Syndrome (PMID: 16414944, 20167303; internal data). ClinVar contains an entry for this variant (Variation ID: 53043). Invitae Evidence Modeling of protein sequence and biophysical properties (such as structural, functional, and spatial information, amino acid conservation, physicochemical variation, residue mobility, and thermodynamic stability) has been performed for this missense variant. However, the output from this modeling did not meet the statistical confidence thresholds required to predict the impact of this variant on KCNQ1 protein function. Experimental studies have shown that this missense change affects KCNQ1 function (PMID: 21152909, 30571187). This variant disrupts the p.Glu146 amino acid residue in KCNQ1. Other variant(s) that disrupt this residue have been determined to be pathogenic (PMID: 26734131, 32009526; internal data). This suggests that this residue is clinically significant, and that variants that disrupt this residue are likely to be disease-causing. In summary, the available evidence is currently insufficient to determine the role of this variant in disease. Therefore, it has been classified as a Variant of Uncertain Significance.

All of Us Research Program, National Institutes of Health
Classification: Uncertain significance for Long QT syndrome. Last evaluated: 2024-07-10. Review status: criteria provided, single submitter. Criteria: ACMG Guidelines, 2015. Collection method: clinical testing. Allele origin: germline. Inheritance: Autosomal dominant inheritance. Observed: 7 variant alleles, 7 heterozygotes.
Comment: This missense variant replaces glutamic acid with lysine at codon 146 of the KCNQ1 protein. Computational prediction is inconclusive regarding the impact of this variant on protein structure and function (internally defined REVEL score threshold 0.5 < inconclusive < 0.7, PMID: 27666373). Functional studies have shown that this variant has no significant impact on current density but may affect channel activation (PMID: 21152909, 30571187). This variant has been reported in an individual affected with long QT syndrome (PMID: 16414944), in a few individuals affected with sudden unexplained death, as well as in several unaffected family members (PMID: 20167303, 24596401, 29672598). This variant has been identified in 2/251412 chromosomes in the general population by the Genome Aggregation Database (gnomAD). The available evidence is insufficient to determine the role of this variant in disease conclusively. Therefore, this variant is classified as a Variant of Uncertain Significance.

This study involves interpretation of variants in research participants for the purpose of population health screening. Participant phenotype was not available at the time of variant classification. Additional details can be found in publication PMID: 35346344, PMCID: PMC8962531

Color Diagnostics, LLC DBA Color Health
Classification: Uncertain significance for Cardiac arrhythmia. Last evaluated: 2024-06-13. Review status: criteria provided, single submitter. Criteria: ACMG Guidelines, 2015. Collection method: clinical testing. Allele origin: germline.
Comment: This missense variant replaces glutamic acid with lysine at codon 146 of the KCNQ1 protein. Computational prediction is inconclusive regarding the impact of this variant on protein structure and function (internally defined REVEL score threshold 0.5 < inconclusive < 0.7, PMID: 27666373). Functional studies have shown that this variant has no significant impact on current density but may affect channel activation (PMID: 21152909, 30571187). This variant has been reported in an individual affected with long QT syndrome (PMID: 16414944), in a few individuals affected with sudden unexplained death, as well as in several unaffected family members (PMID: 20167303, 24596401, 29672598). This variant has been identified in 2/251412 chromosomes in the general population by the Genome Aggregation Database (gnomAD). The available evidence is insufficient to determine the role of this variant in disease conclusively. Therefore, this variant is classified as a Variant of Uncertain Significance.

GeneDx
Classification: Uncertain significance. Last evaluated: 2020-04-17. Review status: criteria provided, single submitter. Criteria: GeneDx Variant Classification Process June 2021. Collection method: clinical testing. Allele origin: germline. Affected: yes.
Comment: Reported in association with LQTS and sudden death; however, this variant is also present in unaffected family members (Napolitano et al., 2005; Gladding et al., 2010; Marcondes et al., 2018); Not observed at a significant frequency in large population cohorts (Lek et al., 2016); In silico analysis supports that this missense variant has a deleterious effect on protein structure/function; This variant is associated with the following publications: (PMID: 30571187, 29672598, 21152909, 28316956, 24596401, 20167303, 31043699, 16414944)

Cardiovascular Biomedical Research Unit, Royal Brompton & Harefield NHS Foundation Trust
No classification provided. Condition: Familial long QT syndrome. Review status: no classification provided. Collection method: literature only. Allele origin: germline. Not counted in ClinVar's aggregate classification.
Comment: This variant has been reported as associated with Long QT syndrome in the following publications (PMID:16414944). This is a literature report, and does not necessarily reflect the clinical interpretation of the Imperial College / Royal Brompton Cardiovascular Genetics laboratory.

Literature cited by the submitters: PubMed 16414944 (cited by 4 submitters); PubMed 20167303 (cited by 3 submitters); PubMed 21152909 (cited by 3 submitters); PubMed 30571187 (cited by 3 submitters); PubMed 26734131 (cited by Labcorp Genetics (formerly Invitae), Labcorp); PubMed 32009526 (cited by Labcorp Genetics (formerly Invitae), Labcorp); PubMed 24596401 (cited by All of Us Research Program, National Institutes of Health and Color Diagnostics, LLC DBA Color Health); PubMed 29672598 (cited by All of Us Research Program, National Institutes of Health and Color Diagnostics, LLC DBA Color Health); PubMed 22581653 (cited by Cardiovascular Biomedical Research Unit, Royal Brompton & Harefield NHS Foundation Trust).